The following is an entry in ClinVar:

ClinVar aggregate classification (germline): Uncertain significance. Review status: criteria provided, multiple submitters, no conflicts (2 of 4 stars). 2 submissions from 2 submitters: Uncertain significance (2). Last evaluated 2025-10-18.

Allele frequency attached by ClinVar (database versions not stated): gnomAD exomes below 0.00001 and 0.00003.
gnomAD v4.1: 40 of 1,613,442 alleles (0.0025%); highest among the groups gnomAD compares: Middle Eastern, 0.51%; 1 homozygote.

Submissions (2):

Labcorp Genetics (formerly Invitae), Labcorp
Classification: Uncertain significance. Last evaluated: 2025-10-18. Review status: criteria provided, single submitter. Criteria: Invitae Variant Classification Sherloc (09022015). Collection method: clinical testing. Allele origin: germline.
Comment: This sequence change replaces glutamic acid, which is acidic and polar, with glycine, which is neutral and non-polar, at codon 838 of the AP3D1 protein (p.Glu838Gly). This variant is present in population databases (no rsID available, gnomAD 0.0009%). This variant has not been reported in the literature in individuals affected with AP3D1-related conditions. ClinVar contains an entry for this variant (Variation ID: 1424018). An algorithm developed to predict the effect of missense changes on protein structure and function outputs the following: PolyPhen-2: "Benign". The glycine amino acid residue is found in multiple mammalian species, which suggests that this missense change does not adversely affect protein function. In summary, the available evidence is currently insufficient to determine the role of this variant in disease. Therefore, it has been classified as a Variant of Uncertain Significance.

Breakthrough Genomics
Classification: Uncertain significance. Review status: criteria provided, single submitter. Criteria: ACMG Guidelines, 2015. Collection method: not provided. Allele origin: germline. Inheritance: Autosomal recessive inheritance. Affected: yes.

NM_001261826.3(AP3D1):c.2513A>G (p.Glu838Gly)

Gene: AP3D1 (adaptor related protein complex 3 subunit delta 1; minus strand). Cytogenetic location: 19p13.3.
Variant type: single nucleotide variant.
Coding change: c.2513A>G on transcript NM_001261826.3 (MANE Select); coding-DNA position 2513, A replaced by G.
Protein change: p.Glu838Gly; replaces glutamic acid 838 with glycine.
Molecular consequence: missense variant.
Genome position (GRCh38, 1-based): chr19:2,114,213, T>C on the plus strand (A>G on the coding strand, the complement: AP3D1 is on the minus strand). VCF-style: chr19-2114213-T-C. GRCh37 (hg19) VCF-style: chr19-2114212-T-C.
Other names: c.2513A>G, p.Glu838Gly (NM_001374799.1, NM_003938.8); short protein forms E838G.
Identifiers: ClinVar variation 1424018 (VCV001424018.9), dbSNP rs867429779, ClinGen allele CA304153315.
Genomic context (GRCh38, chr19:2,114,213, plus strand): 5'-TTGTCTCTCTCTTTCTCTTTGTGTTTTTTCTCTTTCTTCTTGGGTTTCTTGCTCTTCTTT[T>C]CTACCATGGGAACGTCCTTCTCAGGGGATTTTGAGGTCTCGGTGTTTCTGTGTTTCTGAA-3'
Protein context (NP_001248755.1, residues 828-848): KSPEKDVPMV[Glu838Gly]KKSKKPKKKE